The following is an entry in ClinVar:

ClinVar aggregate classification (germline): Uncertain significance. Review status: criteria provided, multiple submitters, no conflicts (2 of 4 stars). 2 submissions from 2 submitters: Uncertain significance (2). Last evaluated 2024-11-22.

Conditions:
Neurodegeneration with brain iron accumulation 2B. Also called: aNAD; atypical Neuroaxonal Dystrophy (aNAD); NEUROAXONAL DYSTROPHY, ATYPICAL; NEURODEGENERATION WITH BRAIN IRON ACCUMULATION, PLA2G6-RELATED. Identifiers: Orphanet 35069, MedGen C1857747, MONDO:0012444, OMIM 610217.

gnomAD v4.1: 1 of 1,553,988 alleles (0.000064%); highest among the groups gnomAD compares: Non-Finnish European, 0.000087%; no homozygotes.

Submissions (2):

Broad Center for Mendelian Genomics, Broad Institute of MIT and Harvard
Classification: Uncertain significance for Neurodegeneration with brain iron accumulation 2B. Last evaluated: 2024-11-22. Review status: criteria provided, single submitter. Criteria: ACMG Guidelines, 2015. Collection method: curation. Allele origin: germline. Inheritance: Autosomal recessive inheritance. Study: GREGoR Consortium.
Comment: Trio exome analysis revealed that this variant was in trans with the VUS. The p.Ala343Glu variant in PLA2G6 has not been previously reported in the literature in individuals with neurodegeneration with brain iron accumulation, but has been identified in 0.0009% (1/1149682) of European (non-Finnish) chromosomes by the Genome Aggregation Database (gnomAD; dbSNP rs1162944680). Although this variant has been seen in the general population in a heterozygous state, its frequency is low enough to be consistent with a recessive carrier frequency. This variant has been reported in ClinVar (Variation ID: 1204668) and has been interpreted as a variant of uncertain significance by GeneDx. Computational prediction tools and conservation analyses do not provide strong support for or against an impact to the protein. In summary, the clinical significance of the p.Ala343Glu variant is uncertain. ACMG/AMP Criteria applied: PM2_supporting (Richards 2015).

GeneDx
Classification: Uncertain significance. Last evaluated: 2020-01-08. Review status: criteria provided, single submitter. Criteria: GeneDx Variant Classification Process June 2021. Collection method: clinical testing. Allele origin: germline. Affected: yes.
Comment: Not observed at a significant frequency in large population cohorts (Lek et al., 2016); In silico analysis, which includes protein predictors and evolutionary conservation, supports that this variant does not alter protein structure/function; Has not been previously published as pathogenic or benign to our knowledge

NM_003560.4(PLA2G6):c.1028C>A (p.Ala343Glu)

Gene: PLA2G6 (phospholipase A2 group VI; minus strand). Cytogenetic location: 22q13.1.
Variant type: single nucleotide variant.
Coding change: c.1028C>A on transcript NM_003560.4 (MANE Select); coding-DNA position 1028, C replaced by A.
Protein change: p.Ala343Glu; replaces alanine 343 with glutamic acid.
Molecular consequence: missense variant.
Genome position (GRCh38, 1-based): chr22:38,132,880, G>T on the plus strand (C>A on the coding strand, the complement: PLA2G6 is on the minus strand). VCF-style: chr22-38132880-G-T. GRCh37 (hg19) VCF-style: chr22-38528887-G-T.
Other names: NM_003560.4(PLA2G6):c.1028C>A; p.Ala343Glu; c.1028C>A, p.Ala343Glu (NM_001004426.3, NM_001199562.3, NM_001349864.2 and 2 more transcripts); c.494C>A, p.Ala165Glu (NM_001349867.2, NM_001349869.2); c.350C>A, p.Ala117Glu (NM_001349868.2); short protein forms A117E, A165E, A343E.
Identifiers: ClinVar variation 1204668 (VCV001204668.3), dbSNP rs1162944680, ClinGen allele CA411530708.
Genomic context (GRCh38, chr22:38,132,880, plus strand): 5'-CCTGGGCTCACCGACATGGCCAGGTGCAGCGGGGTGTTGCCGTGCTCTCCGCGGGCATCC[G>T]CGTTGGCCCCGTGGGTCAGCAGCACTATGGCACAGTCGAAGCGGTTGCGCATCACCGCCA-3'
Protein context (NP_003551.2, residues 333-353): AIVLLTHGAN[Ala343Glu]DARGEHGNTP